The following is an entry in ClinVar:

NM_000222.3(KIT):c.466C>A (p.Leu156Ile)

Gene: KIT (KIT proto-oncogene, receptor tyrosine kinase; plus strand). Cytogenetic location: 4q12.
Variant type: single nucleotide variant.
Coding change: c.466C>A on transcript NM_000222.3 (MANE Select); coding-DNA position 466, C replaced by A.
Protein change: p.Leu156Ile; replaces leucine 156 with isoleucine.
Molecular consequence: missense variant.
Genome position (GRCh38, 1-based): chr4:54,698,412, C>A. VCF-style: chr4-54698412-C-A. GRCh37 (hg19) VCF-style: chr4-55564578-C-A.
Other names: c.466C>A, p.Leu156Ile (NM_001093772.2, NM_001385284.1, NM_001385285.1 and 4 more transcripts); short protein forms L156I.
Identifiers: ClinVar variation 237277 (VCV000237277.9), dbSNP rs878853767, ClinGen allele CA10582252.
Genomic context (GRCh38, chr4:54,698,412, plus strand): 5'-TGTCCTCTCACAGACCCAGAAGTGACCAATTATTCCCTCAAGGGGTGCCAGGGGAAGCCT[C>A]TTCCCAAGGACTTGAGGTTTATTCCTGACCCCAAGGCGGGCATCATGATCAAAAGTGTGA-3'
Protein context (NP_000213.1, residues 146-166): YSLKGCQGKP[Leu156Ile]PKDLRFIPDP

ClinVar aggregate classification (germline): Uncertain significance (1 of 4 stars; one submission).

Conditions:
Gastrointestinal stromal tumor. Also called: Gastrointestinal stromal tumor, somatic; Gastrointestinal stroma tumor. Identifiers: Orphanet 44890, MedGen C0238198, MeSH D046152, MONDO:0011719, OMIM 606764, HP:0100723.

gnomAD v4.1: 3 of 1,614,186 alleles (0.00019%); highest among the groups gnomAD compares: Non-Finnish European, 0.00025%; no homozygotes.

Submission:

Labcorp Genetics (formerly Invitae), Labcorp
Classification: Uncertain significance for Gastrointestinal stromal tumor. Last evaluated: 2025-08-05. Review status: criteria provided, single submitter. Criteria: Invitae Variant Classification Sherloc (09022015). Collection method: clinical testing. Allele origin: germline.
Comment: This sequence change replaces leucine, which is neutral and non-polar, with isoleucine, which is neutral and non-polar, at codon 156 of the KIT protein (p.Leu156Ile). This variant is not present in population databases (gnomAD no frequency). This variant has not been reported in the literature in individuals affected with KIT-related conditions. ClinVar contains an entry for this variant (Variation ID: 237277). An algorithm developed to predict the effect of missense changes on protein structure and function outputs the following: PolyPhen-2: "Possibly Damaging". The isoleucine amino acid residue is found in multiple mammalian species, which suggests that this missense change does not adversely affect protein function. In summary, the available evidence is currently insufficient to determine the role of this variant in disease. Therefore, it has been classified as a Variant of Uncertain Significance.